The following is an entry in ClinVar:

NM_000336.3(SCNN1B):c.268A>G (p.Met90Val)

Gene: SCNN1B (sodium channel epithelial 1 subunit beta; plus strand). Cytogenetic location: 16p12.2.
Variant type: single nucleotide variant.
Coding change: c.268A>G on transcript NM_000336.3 (MANE Select); coding-DNA position 268, A replaced by G.
Protein change: p.Met90Val; replaces methionine 90 with valine.
Molecular consequence: missense variant.
Genome position (GRCh38, 1-based): chr16:23,348,867, A>G. VCF-style: chr16-23348867-A-G. GRCh37 (hg19) VCF-style: chr16-23360188-A-G.
Other names: c.268A>G, p.Met90Val (NM_001410900.1); short protein forms M90V.
Identifiers: ClinVar variation 3579958 (VCV003579958.3).
Genomic context (GRCh38, chr16:23,348,867, plus strand): 5'-TTCATCAGGACCTACTTGAGCTGGGAGGTCAGCGTCTCCCTCTCCGTAGGCTTCAAGACC[A>G]TGGACTTCCCTGCCGTCACCATCTGCAATGCTAGCCCCTTCAAGTAGGTGGCCCCGGAGT-3'
Protein context (NP_000327.2, residues 80-100): SVSLSVGFKT[Met90Val]DFPAVTICNA

ClinVar aggregate classification (germline): Uncertain significance. Review status: criteria provided, multiple submitters, no conflicts (2 of 4 stars). 3 submissions from 3 submitters: Uncertain significance (3). Last evaluated 2025-12-14.

Conditions:
Bronchiectasis with or without elevated sweat chloride 1 (BESC1). Also called: Cystic Fibrosis-Like Syndrome. Identifiers: Orphanet 60033, MedGen C2749757, MONDO:0008887, OMIM 211400.
Pseudohypoaldosteronism, type IB2, autosomal recessive (PHA1B2). Identifiers: MedGen C5774255, MONDO:0859317, OMIM 620125.
Liddle syndrome 1 (LIDLS1). Also called: PSEUDOALDOSTERONISM. Identifiers: Orphanet 526, MedGen CN031472, MONDO:0020607, OMIM 177200.

gnomAD v4.1: 44 of 1,614,046 alleles (0.0027%); highest among the groups gnomAD compares: East Asian, 0.036%; no homozygotes.

Submissions (3):

Labcorp Genetics (formerly Invitae), Labcorp
Classification: Uncertain significance. Last evaluated: 2025-12-14. Review status: criteria provided, single submitter. Criteria: Invitae Variant Classification Sherloc (09022015). Collection method: clinical testing. Allele origin: germline.
Comment: This sequence change replaces methionine, which is neutral and non-polar, with valine, which is neutral and non-polar, at codon 90 of the SCNN1B protein (p.Met90Val). This variant is present in population databases (rs150466803, gnomAD 0.06%). This variant has not been reported in the literature in individuals affected with SCNN1B-related conditions. ClinVar contains an entry for this variant (Variation ID: 3579958). Invitae Evidence Modeling of protein sequence and biophysical properties (such as structural, functional, and spatial information, amino acid conservation, physicochemical variation, residue mobility, and thermodynamic stability) indicates that this missense variant is not expected to disrupt SCNN1B protein function with a negative predictive value of 80%. In summary, the available evidence is currently insufficient to determine the role of this variant in disease. Therefore, it has been classified as a Variant of Uncertain Significance.

Fulgent Genetics
Classification: Uncertain significance for Liddle syndrome 1; Bronchiectasis with or without elevated sweat chloride 1; Pseudohypoaldosteronism, type IB2, autosomal recessive. Last evaluated: 2024-02-01. Review status: criteria provided, single submitter. Criteria: ACMG Guidelines, 2015. Collection method: clinical testing. Allele origin: germline.

Department of Pathology and Laboratory Medicine, Sinai Health System
Classification: Uncertain significance for Liddle syndrome 1; Bronchiectasis with or without elevated sweat chloride 1; Pseudohypoaldosteronism, type IB2, autosomal recessive. Last evaluated: 2022-09-25. Review status: criteria provided, single submitter. Criteria: ACMG Guidelines, 2015. Collection method: research. Allele origin: germline.